The following is an entry in ClinVar:

NM_006005.3(WFS1):c.624C>T (p.Asn208=)

Gene: WFS1 (wolframin ER transmembrane glycoprotein; plus strand). Cytogenetic location: 4p16.1.
Variant type: single nucleotide variant.
Coding change: c.624C>T on transcript NM_006005.3 (MANE Select); coding-DNA position 624, C replaced by T.
Protein change: p.Asn208=; no amino-acid change (asparagine 208 retained).
Molecular consequence: synonymous variant.
Genome position (GRCh38, 1-based): chr4:6,291,360, C>T. VCF-style: chr4-6291360-C-T. GRCh37 (hg19) VCF-style: chr4-6293087-C-T.
Other names: c.624C>T, p.Asn208= (NM_001145853.1).
Identifiers: ClinVar variation 1080925 (VCV001080925.11), dbSNP rs759492466, ClinGen allele CA2838953.

ClinVar aggregate classification (germline): Likely benign. Review status: criteria provided, multiple submitters, no conflicts (2 of 4 stars). 3 submissions from 3 submitters: Likely benign (3). Last evaluated 2025-11-24.

Conditions:
WFS1-related disorder. Identifiers: MedGen CN379391, MONDO:0700293.

Allele frequency attached by ClinVar (database versions not stated): gnomAD 0.00001; gnomAD exomes 0.00002 and 0.00005; TOPMed 0.00006; ExAC 0.00007.
gnomAD v4.1: 33 of 1,612,572 alleles (0.002%); highest among the groups gnomAD compares: Admixed American, 0.025%; no homozygotes.

Submissions (3):

Labcorp Genetics (formerly Invitae), Labcorp
Classification: Likely benign. Last evaluated: 2025-11-24. Review status: criteria provided, single submitter. Criteria: Invitae Variant Classification Sherloc (09022015). Collection method: clinical testing. Allele origin: germline.

PreventionGenetics, part of Exact Sciences
Classification: Likely benign for WFS1-related condition. Last evaluated: 2024-10-21. Review status: criteria provided, single submitter. Criteria: ACMG Guidelines, 2015. Collection method: clinical testing. Allele origin: germline.
Comment: This variant is classified as likely benign based on ACMG/AMP sequence variant interpretation guidelines (Richards et al. 2015 PMID: 25741868, with internal and published modifications).

Blueprint Genetics
Classification: Likely benign. Last evaluated: 2022-11-18. Review status: criteria provided, single submitter. Criteria: ACMG Guidelines, 2015. Collection method: clinical testing. Allele origin: germline.